The following is an entry in ClinVar:

ClinVar aggregate classification (germline): Likely benign (0 of 4 stars; one submission).

Conditions:
MYRF-related disorder. Also called: MYRF-related disorders; MYRF-related condition.

Allele frequency attached by ClinVar (database versions not stated): gnomAD exomes 0.00001; gnomAD 0.00002; TOPMed 0.00005; ESP Exome Variant Server 0.00008.
gnomAD v4.1: 23 of 1,550,442 alleles (0.0015%); highest among the groups gnomAD compares: Admixed American, 0.0098%; no homozygotes.

Submission:

PreventionGenetics, part of Exact Sciences
Classification: Likely benign for MYRF-related condition. Last evaluated: 2023-10-04. Review status: no assertion criteria provided. Collection method: clinical testing. Allele origin: germline.
Comment: This variant is classified as likely benign based on ACMG/AMP sequence variant interpretation guidelines (Richards et al. 2015 PMID: 25741868, with internal and published modifications).

NM_001127392.3(MYRF):c.2174+10C>T

Gene: MYRF (myelin regulatory factor; plus strand). Cytogenetic location: 11q12.2.
Variant type: single nucleotide variant.
Coding change: c.2174+10C>T on transcript NM_001127392.3 (MANE Select); 10 bases into the intron after coding-DNA position 2174, C replaced by T.
Molecular consequence: intron variant.
Genome position (GRCh38, 1-based): chr11:61,779,433, C>T. VCF-style: chr11-61779433-C-T. GRCh37 (hg19) VCF-style: chr11-61546905-C-T.
Other names: c.2147+10C>T (NM_013279.4).
Identifiers: ClinVar variation 3056275 (VCV003056275.2), dbSNP rs377452062, ClinGen allele CA222936434.
Genomic context (GRCh38, chr11:61,779,433, plus strand): 5'-GCTGCGGCGGCTCGACAGCCTCAAGTCCACCGGCAGCTCGGGCGCCTTCAGGTAGGGGTG[C>T]GGGGTGGGGGAAGGTGAGACCCTTCTTCCCAGGGACACCCCTGATCCTGGCCCTCTTGCT-3'